The following is an entry in ClinVar:

ClinVar aggregate classification (germline): Conflicting classifications of pathogenicity. Review status: criteria provided, conflicting classifications (1 of 4 stars). 3 submissions from 3 submitters: Uncertain significance (2); Likely benign (1). Last evaluated 2024-04-22.

Conditions:
Hereditary cancer-predisposing syndrome. Also called: Hereditary neoplastic syndrome; Neoplastic Syndromes, Hereditary; Tumor predisposition; Hereditary Cancer Syndrome. Identifiers: Orphanet 140162, MedGen C0027672, MeSH D009386, MONDO:0015356.

gnomAD v4.1: 2 of 1,596,072 alleles (0.00013%); highest among the groups gnomAD compares: East Asian, 0.0022%; no homozygotes.

Submissions (3):

Ambry Genetics
Classification: Uncertain significance for Hereditary cancer-predisposing syndrome. Last evaluated: 2024-04-22. Review status: criteria provided, single submitter. Criteria: Ambry Variant Classification Scheme 2023. Collection method: clinical testing. Allele origin: germline.
Comment: The p.P512R variant (also known as c.1535C>G), located in coding exon 9 of the BRCA2 gene, results from a C to G substitution at nucleotide position 1535. The proline at codon 512 is replaced by arginine, an amino acid with dissimilar properties. This amino acid position is conserved. In addition, this alteration is predicted to be tolerated by in silico analysis. Based on the available evidence, the clinical significance of this variant remains unclear.

University of Washington Department of Laboratory Medicine, University of Washington
Classification: Likely benign for Hereditary cancer-predisposing syndrome. Last evaluated: 2023-03-23. Review status: criteria provided, single submitter. Criteria: Dines et al. (Genet Med. 2020). Collection method: curation. Allele origin: germline.
Comment: Missense variant in a coldspot region where missense variants are very unlikely to be pathogenic (PMID:31911673).

BRCA2 exon 10 coldspot. Reclassification based on statistical prior probability.

Institute for Clinical Genetics, University Hospital TU Dresden, University Hospital TU Dresden
Classification: Uncertain significance. Last evaluated: 2021-11-03. Review status: criteria provided, single submitter. Criteria: ACMG Guidelines, 2015. Collection method: clinical testing. Allele origin: germline.

NM_000059.4(BRCA2):c.1535C>G (p.Pro512Arg)

Gene: BRCA2 (BRCA2 DNA repair associated; plus strand). Cytogenetic location: 13q13.1.
Variant type: single nucleotide variant.
Coding change: c.1535C>G on transcript NM_000059.4 (MANE Select); coding-DNA position 1535, C replaced by G.
Protein change: p.Pro512Arg; replaces proline 512 with arginine.
Molecular consequence: missense variant.
Genome position (GRCh38, 1-based): chr13:32,333,013, C>G. VCF-style: chr13-32333013-C-G. GRCh37 (hg19) VCF-style: chr13-32907150-C-G.
Other names: short protein forms P512R.
Identifiers: ClinVar variation 1319581 (VCV001319581.7), dbSNP rs1184226464, ClinGen allele CA387764609.